The following is an entry in ClinVar:

NM_000387.6(SLC25A20):c.401del (p.Ile134fs)

Gene: SLC25A20 (solute carrier family 25 member 20; minus strand). Cytogenetic location: 3p21.31.
Variant type: Deletion.
Coding change: c.401del on transcript NM_000387.6 (MANE Select); coding-DNA position 401, one base deleted (T; older notation c.401delT).
Protein change: p.Ile134fs; shifts the reading frame from isoleucine 134.
Molecular consequence: frameshift variant.
Genome position (GRCh38, 1-based): chr3:48,879,374, A deleted on the plus strand (T on the coding strand, the reverse complement: SLC25A20 is on the minus strand). VCF-style (leftmost placement, unchanged base first): chr3-48879373-GA-G. GRCh37 (hg19) VCF-style: chr3-48916806-GA-G.
Other names: short protein forms I134fs.
Identifiers: ClinVar variation 4727642 (VCV004727642.1).
Genomic context (GRCh38, chr3:48,879,373, plus strand): 5'-TAAACTGAAAGGAAAAAGCTATTTCCCCTCCAATCACAACCTTACCTGTAATAAGCACTT[GA>G]TCCGTTCTCCAGGAGTCATGATTCCTGTGGTGAATACGCCAGATAACATCCCAGCTGCAA-3'

ClinVar aggregate classification (germline): Pathogenic (1 of 4 stars; one submission).

Conditions:
Carnitine acylcarnitine translocase deficiency (CACTD). Identifiers: Orphanet 159, MedGen C0342791, MONDO:0008918, OMIM 212138.

Submission:

Labcorp Genetics (formerly Invitae), Labcorp
Classification: Pathogenic for Carnitine acylcarnitine translocase deficiency. Last evaluated: 2025-09-22. Review status: criteria provided, single submitter. Criteria: Invitae Variant Classification Sherloc (09022015). Collection method: clinical testing. Allele origin: germline.
Comment: This sequence change creates a premature translational stop signal (p.Ile134Thrfs*55) in the SLC25A20 gene. It is expected to result in an absent or disrupted protein product. Loss-of-function variants in SLC25A20 are known to be pathogenic (PMID: 25614308). This variant is not present in population databases (gnomAD no frequency). This variant has not been reported in the literature in individuals affected with SLC25A20-related conditions. For these reasons, this variant has been classified as Pathogenic.

Literature cited by the submitters: PubMed 25614308.